The following is an entry in ClinVar:

ClinVar aggregate classification (germline): Uncertain significance (1 of 4 stars; one submission).

Submission:

GeneDx
Classification: Uncertain significance. Last evaluated: 2019-10-07. Review status: criteria provided, single submitter. Criteria: GeneDx Variant Classification Process June 2021. Collection method: clinical testing. Allele origin: germline. Affected: yes.
Comment: Not observed in large population cohorts (Lek et al., 2016); In silico analysis, which includes protein predictors and evolutionary conservation, supports a deleterious effect; Has not been previously published as pathogenic or benign to our knowledge

NM_006218.4(PIK3CA):c.2331G>C (p.Arg777Ser)

Gene: PIK3CA (phosphatidylinositol-4,5-bisphosphate 3-kinase catalytic subunit alpha; plus strand). Cytogenetic location: 3q26.32.
Variant type: single nucleotide variant.
Coding change: c.2331G>C on transcript NM_006218.4 (MANE Select); coding-DNA position 2331, G replaced by C.
Protein change: p.Arg777Ser; replaces arginine 777 with serine.
Molecular consequence: missense variant.
Genome position (GRCh38, 1-based): chr3:179,224,736, G>C. VCF-style: chr3-179224736-G-C. GRCh37 (hg19) VCF-style: chr3-178942524-G-C.
Other names: c.2331G>C (LRG_310t1); short protein forms R777S.
Identifiers: ClinVar variation 424494 (VCV000424494.4), dbSNP rs771524333, ClinGen allele CA16617849.